The following is an entry in ClinVar:

ClinVar aggregate classification (germline): Pathogenic (1 of 4 stars; one submission).

Submission:

Labcorp Genetics (formerly Invitae), Labcorp
Classification: Pathogenic. Last evaluated: 2022-10-17. Review status: criteria provided, single submitter. Criteria: Invitae Variant Classification Sherloc (09022015). Collection method: clinical testing. Allele origin: germline.
Comment: For these reasons, this variant has been classified as Pathogenic. This variant has not been reported in the literature in individuals affected with CACNA1F-related conditions. This variant is not present in population databases (gnomAD no frequency). This sequence change creates a premature translational stop signal (p.Gln1778*) in the CACNA1F gene. It is expected to result in an absent or disrupted protein product. Loss-of-function variants in CACNA1F are known to be pathogenic (PMID: 9662399, 11281458, 17525176, 22194652, 24124559, 26992781).

Literature cited by the submitters: PubMed 9662399; PubMed 11281458; PubMed 17525176; PubMed 22194652; PubMed 24124559; PubMed 26992781.

NM_001256789.3(CACNA1F):c.5299C>T (p.Gln1767Ter)

Gene: CACNA1F (calcium voltage-gated channel subunit alpha1 F; minus strand). Cytogenetic location: Xp11.23.
Variant type: single nucleotide variant.
Coding change: c.5299C>T on transcript NM_001256789.3 (MANE Select); coding-DNA position 5299, C replaced by T.
Protein change: p.Gln1767Ter; replaces glutamine 1767 with a stop codon.
Molecular consequence: nonsense.
Genome position (GRCh38, 1-based): chrX:49,206,788, G>A on the plus strand (C>T on the coding strand, the complement: CACNA1F is on the minus strand). VCF-style: chrX-49206788-G-A. GRCh37 (hg19) VCF-style: chrX-49063249-G-A.
Other names: c.5137C>T, p.Gln1713Ter (NM_001256790.3); c.5332C>T, p.Gln1778Ter (NM_005183.4); short protein forms Q1713*, Q1767*, Q1778*.
Identifiers: ClinVar variation 2022900 (VCV002022900.4), dbSNP rs2520695634, ClinGen allele CA412958387.